The following is an entry in ClinVar:

ClinVar aggregate classification (germline): Uncertain significance (1 of 4 stars; one submission).

Conditions:
Charcot-Marie-Tooth Neuropathy X. Identifiers: MedGen CN118851.

Submission:

Labcorp Genetics (formerly Invitae), Labcorp
Classification: Uncertain significance for Charcot-Marie-Tooth Neuropathy X. Last evaluated: 2024-06-17. Review status: criteria provided, single submitter. Criteria: Invitae Variant Classification Sherloc (09022015). Collection method: clinical testing. Allele origin: germline.
Comment: This sequence change replaces serine, which is neutral and polar, with proline, which is neutral and non-polar, at codon 182 of the GJB1 protein (p.Ser182Pro). This variant is not present in population databases (gnomAD no frequency). This variant has not been reported in the literature in individuals affected with GJB1-related conditions. Advanced modeling of protein sequence and biophysical properties (such as structural, functional, and spatial information, amino acid conservation, physicochemical variation, residue mobility, and thermodynamic stability) performed at Invitae indicates that this missense variant is expected to disrupt GJB1 protein function with a positive predictive value of 80%. This variant disrupts the p.Ser182 amino acid residue in GJB1. Other variant(s) that disrupt this residue have been observed in individuals with GJB1-related conditions (PMID: 18379723), which suggests that this may be a clinically significant amino acid residue. In summary, the available evidence is currently insufficient to determine the role of this variant in disease. Therefore, it has been classified as a Variant of Uncertain Significance.

Literature cited by the submitters: PubMed 18379723.

NM_000166.6(GJB1):c.544T>C (p.Ser182Pro)

Gene: GJB1 (gap junction protein beta 1; plus strand). Cytogenetic location: Xq13.1.
Variant type: single nucleotide variant.
Coding change: c.544T>C on transcript NM_000166.6 (MANE Select); coding-DNA position 544, T replaced by C.
Protein change: p.Ser182Pro; replaces serine 182 with proline.
Molecular consequence: missense variant.
Genome position (GRCh38, 1-based): chrX:71,224,251, T>C. VCF-style: chrX-71224251-T-C. GRCh37 (hg19) VCF-style: chrX-70444101-T-C.
Other names: c.544T>C, p.Ser182Pro (NM_001097642.3); short protein forms S182P.
Identifiers: ClinVar variation 3656839 (VCV003656839.2).